The following is an entry in ClinVar:

NM_032242.4(PLXNA1):c.298A>G (p.Ser100Gly)

Gene: PLXNA1 (plexin A1; plus strand). Cytogenetic location: 3q21.3.
Variant type: single nucleotide variant.
Coding change: c.298A>G on transcript NM_032242.4 (MANE Select); coding-DNA position 298, A replaced by G.
Protein change: p.Ser100Gly; replaces serine 100 with glycine.
Molecular consequence: missense variant.
Genome position (GRCh38, 1-based): chr3:126,988,891, A>G. VCF-style: chr3-126988891-A-G. GRCh37 (hg19) VCF-style: chr3-126707734-A-G.
Other names: short protein forms S100G.
Identifiers: ClinVar variation 4979198 (VCV004979198.1).

ClinVar aggregate classification (germline): Uncertain significance (1 of 4 stars; one submission).

Conditions:
PLXNA1-related disorder. Also called: PLXNA1-related condition.

gnomAD v4.1: 9 of 1,613,192 alleles (0.00056%); highest among the groups gnomAD compares: Non-Finnish European, 0.00076%; no homozygotes.

Submission:

PreventionGenetics, part of Exact Sciences
Classification: Uncertain significance for PLXNA1-related condition. Last evaluated: 2025-04-16. Review status: criteria provided, single submitter. Criteria: ACMG Guidelines, 2015. Collection method: clinical testing. Allele origin: germline.
Comment: The PLXNA1 c.298A>G variant is predicted to result in the amino acid substitution p.Ser100Gly. To our knowledge, this variant has not been reported in the literature. This variant is reported in 0.0035% of alleles in individuals of European (Non-Finnish) descent in gnomAD. At this time, the clinical significance of this variant is uncertain due to the absence of conclusive functional and genetic evidence.